The following is an entry in ClinVar:

ClinVar aggregate classification (germline): Uncertain significance. Review status: criteria provided, multiple submitters, no conflicts (2 of 4 stars). 2 submissions from 2 submitters: Uncertain significance (2). Last evaluated 2025-06-14.

Conditions:
Developmental and epileptic encephalopathy, 1 (DEE1). Also called: Epileptic encephalopathy, early infantile, 1; X-linked infantile spasms; West's syndrome; Tonic spasms with clustering, arrest of psychomotor development and hypsarrhythmia on EEG; X-Linked Infantile Spasm Syndrome; OHTAHARA SYNDROME, X-LINKED. Identifiers: MedGen C3463992, MONDO:0010632, OMIM 308350. Disease mechanism: loss of function.
Intellectual disability, X-linked, with or without seizures, ARX-related. Also called: Mental retardation, X-linked 52; INTELLECTUAL DEVELOPMENTAL DISORDER, X-LINKED 29; MENTAL RETARDATION, X-LINKED 29; MENTAL RETARDATION, X-LINKED 32; MENTAL RETARDATION, X-LINKED 33; MENTAL RETARDATION, X-LINKED 38. Identifiers: Orphanet 777, MedGen C0796244, MONDO:0010317, OMIM 300419.

Allele frequency attached by ClinVar (database versions not stated): gnomAD 0.00001; gnomAD exomes 0.00001.
gnomAD v4.1: 6 of 1,118,294 alleles (0.00054%); highest among the groups gnomAD compares: South Asian, 0.0021%; no homozygotes.

Submissions (2):

Labcorp Genetics (formerly Invitae), Labcorp
Classification: Uncertain significance for Developmental and epileptic encephalopathy, 1; Intellectual disability, X-linked, with or without seizures, ARX-related. Last evaluated: 2025-06-14. Review status: criteria provided, single submitter. Criteria: Invitae Variant Classification Sherloc (09022015). Collection method: clinical testing. Allele origin: germline.
Comment: This sequence change replaces arginine, which is basic and polar, with serine, which is neutral and polar, at codon 204 of the ARX protein (p.Arg204Ser). The frequency data for this variant in the population databases is considered unreliable, as metrics indicate poor data quality at this position in the gnomAD database. This missense change has been observed in individual(s) with autism spectrum disorder (PMID: 35052376). This variant is also known as c.838G>T. ClinVar contains an entry for this variant (Variation ID: 1513783). Invitae Evidence Modeling of protein sequence and biophysical properties (such as structural, functional, and spatial information, amino acid conservation, physicochemical variation, residue mobility, and thermodynamic stability) indicates that this missense variant is not expected to disrupt ARX protein function with a negative predictive value of 95%. In summary, the available evidence is currently insufficient to determine the role of this variant in disease. Therefore, it has been classified as a Variant of Uncertain Significance.

Blueprint Genetics
Classification: Uncertain significance. Last evaluated: 2024-06-10. Review status: criteria provided, single submitter. Criteria: ACMG Guidelines, 2015. Collection method: clinical testing. Allele origin: germline.

Literature cited by the submitters: PubMed 35052376 (cited by Labcorp Genetics (formerly Invitae), Labcorp).

NM_139058.3(ARX):c.610C>A (p.Arg204Ser)

Gene: ARX (aristaless related homeobox; minus strand). Cytogenetic location: Xp21.3.
Variant type: single nucleotide variant.
Coding change: c.610C>A on transcript NM_139058.3 (MANE Select); coding-DNA position 610, C replaced by A.
Protein change: p.Arg204Ser; replaces arginine 204 with serine.
Molecular consequence: missense variant.
Genome position (GRCh38, 1-based): chrX:25,013,385, G>T on the plus strand (C>A on the coding strand, the complement: ARX is on the minus strand). VCF-style: chrX-25013385-G-T. GRCh37 (hg19) VCF-style: chrX-25031502-G-T.
Other names: short protein forms R204S.
Identifiers: ClinVar variation 1513783 (VCV001513783.7), dbSNP rs777162737, ClinGen allele CA10373893.